The following is an entry in ClinVar:

NM_000169.3(GLA):c.437C>G (p.Pro146Arg)

Genes: GLA (galactosidase alpha; minus strand), RPL36A-HNRNPH2 (RPL36A-HNRNPH2 readthrough; plus strand). Cytogenetic location: Xq22.1.
Variant type: single nucleotide variant.
Coding change: c.437C>G on transcript NM_000169.3 (MANE Select); coding-DNA position 437, C replaced by G.
Protein change: p.Pro146Arg; replaces proline 146 with arginine.
Molecular consequence: missense variant. On other transcripts: non-coding transcript variant (3), intron variant (2).
Genome position (GRCh38, 1-based): chrX:101,401,742, G>C on the plus strand (C>G on the coding strand, the complement: GLA is on the minus strand). VCF-style: chrX-101401742-G-C. GRCh37 (hg19) VCF-style: chrX-100656730-G-C.
Other names: c.560C>G, p.Pro187Arg (NM_001406747.1, NM_001406749.1); c.437C>G, p.Pro146Arg (NM_001406748.1); c.300+6285G>C (NM_001199973.2); c.177+9920G>C (NM_001199974.2); short protein forms P146R, P187R.
Identifiers: ClinVar variation 4087372 (VCV004087372.2).

ClinVar aggregate classification (germline): Uncertain significance (1 of 4 stars; one submission).

Conditions:
Fabry disease. Also called: ALPHA-GALACTOSIDASE A DEFICIENCY; ANDERSON-FABRY DISEASE; CERAMIDE TRIHEXOSIDASE DEFICIENCY; GLA DEFICIENCY; HEREDITARY DYSTOPIC LIPIDOSIS; Angiokeratoma corporis diffusum. Identifiers: Orphanet 324, MedGen C0002986, MONDO:0010526, OMIM 301500, HP:0001071. Disease mechanism: Fabry disease is due to inactivating mutations in the X-linked GLA gene resulting in deficiency of the enzyme Alpha Galactosidase-A., loss of function.

Submission:

Genomenon, Inc
Classification: Uncertain significance for Fabry disease. Last evaluated: 2026-09-08. Review status: criteria provided, single submitter. Criteria: Genomenon Sequence Variant Interpretation Standards - Updated. Collection method: curation. Allele origin: germline. Affected: yes.
Comment: GLA p.Pro146Arg (c.437C>G) is a missense variant that changes the amino acid at codon 146 from Proline to Arginine. This variant has been observed in at least one proband with clinical features consistent with Fabry disease (PMID:30386727). It is absent or not present at a significant frequency in gnomAD. In silico models predict that this variant is possibly or probably damaging. In conclusion, we classify GLA p.Pro146Arg (c.437C>G) as a variant of uncertain significance.

Literature cited by the submitters: PubMed 30386727.